The following is an entry in ClinVar:

ClinVar aggregate classification (germline): Uncertain significance (1 of 4 stars; one submission).

Conditions:
Werner syndrome (WRN). Identifiers: Orphanet 902, MedGen C0043119, MONDO:0010196, OMIM 277700.

Allele frequency attached by ClinVar (database versions not stated): gnomAD 0.00001.
gnomAD v4.1: 2 of 1,612,910 alleles (0.00012%); highest among the groups gnomAD compares: Admixed American, 0.0017%; no homozygotes.

Submission:

Labcorp Genetics (formerly Invitae), Labcorp
Classification: Uncertain significance for Werner syndrome. Last evaluated: 2025-11-17. Review status: criteria provided, single submitter. Criteria: Invitae Variant Classification Sherloc (09022015). Collection method: clinical testing. Allele origin: germline.
Comment: This sequence change replaces methionine, which is neutral and non-polar, with arginine, which is basic and polar, at codon 696 of the WRN protein (p.Met696Arg). This variant is not present in population databases (gnomAD no frequency). This variant has not been reported in the literature in individuals affected with WRN-related conditions. ClinVar contains an entry for this variant (Variation ID: 656703). An algorithm developed to predict the effect of missense changes on protein structure and function (PolyPhen-2) suggests that this variant is likely to be tolerated. In summary, the available evidence is currently insufficient to determine the role of this variant in disease. Therefore, it has been classified as a Variant of Uncertain Significance.

NM_000553.6(WRN):c.2087T>G (p.Met696Arg)

Gene: WRN (WRN RecQ like helicase; plus strand). Cytogenetic location: 8p12.
Variant type: single nucleotide variant.
Coding change: c.2087T>G on transcript NM_000553.6 (MANE Select); coding-DNA position 2087, T replaced by G.
Protein change: p.Met696Arg; replaces methionine 696 with arginine.
Molecular consequence: missense variant.
Genome position (GRCh38, 1-based): chr8:31,100,954, T>G. VCF-style: chr8-31100954-T-G. GRCh37 (hg19) VCF-style: chr8-30958470-T-G.
Other names: short protein forms M696R.
Identifiers: ClinVar variation 656703 (VCV000656703.4), dbSNP rs1246267919, ClinGen allele CA370909054.